The following is an entry in ClinVar:

NR_002728.4(KCNQ1OT1):n.33510C>T

Genes: KCNQ1 (potassium voltage-gated channel subfamily Q member 1; plus strand), KCNQ1OT1 (KCNQ1 opposite strand/antisense transcript 1; minus strand). Cytogenetic location: 11p15.5.
Variant type: single nucleotide variant.
Molecular consequence: non-coding transcript variant (on NR_002728.4). On other transcripts: intron variant (5).
Genome position: GRCh38 VCF-style: chr11-2666485-G-A. GRCh37 (hg19) VCF-style: chr11-2687715-G-A.
Other names: c.1244+4404G>A (NM_001406837.1); c.1514+4404G>A (NM_000218.3); c.1418+4404G>A (NM_001406836.1); c.974+4404G>A (NM_001406838.1); c.1133+4404G>A (NM_181798.2).
Identifiers: ClinVar variation 4989586 (VCV004989586.1).

ClinVar aggregate classification (germline): Uncertain significance (1 of 4 stars; one submission).

Conditions:
KCNQ1OT1-related disorder. Also called: KCNQ1OT1-related condition.

gnomAD v4.1: 16 of 398,636 alleles (0.004%); highest among the groups gnomAD compares: Admixed American, 0.013%; no homozygotes.

Submission:

PreventionGenetics, part of Exact Sciences
Classification: Uncertain significance for KCNQ1OT1-related condition. Last evaluated: 2025-09-29. Review status: criteria provided, single submitter. Criteria: ACMG Guidelines, 2015. Collection method: clinical testing. Allele origin: germline.
Comment: The KCNQ1OT1 n.33514C>T is a noncoding alteration. To our knowledge, this variant has not been reported in the literature or in a large population database (gnomAD), indicating this variant is rare. At this time, the clinical significance of this variant is uncertain due to the absence of conclusive functional and genetic evidence.